The following is an entry in ClinVar:

ClinVar aggregate classification (germline): Uncertain significance (1 of 4 stars; one submission).

Submission:

Labcorp Genetics (formerly Invitae), Labcorp
Classification: Uncertain significance. Last evaluated: 2025-08-31. Review status: criteria provided, single submitter. Criteria: Invitae Variant Classification Sherloc (09022015). Collection method: clinical testing. Allele origin: germline.
Comment: This sequence change replaces proline, which is neutral and non-polar, with threonine, which is neutral and polar, at codon 538 of the RHOBTB2 protein (p.Pro538Thr). This variant is not present in population databases (gnomAD no frequency). This variant has not been reported in the literature in individuals affected with RHOBTB2-related conditions. Invitae Evidence Modeling of protein sequence and biophysical properties (such as structural, functional, and spatial information, amino acid conservation, physicochemical variation, residue mobility, and thermodynamic stability) has been performed for this missense variant. However, the output from this modeling did not meet the statistical confidence thresholds required to predict the impact of this variant on RHOBTB2 protein function. In summary, the available evidence is currently insufficient to determine the role of this variant in disease. Therefore, it has been classified as a Variant of Uncertain Significance.

NM_015178.3(RHOBTB2):c.1546C>A (p.Pro516Thr)

Gene: RHOBTB2 (Rho related BTB domain containing 2; plus strand). Cytogenetic location: 8p21.3.
Variant type: single nucleotide variant.
Coding change: c.1546C>A on transcript NM_015178.3 (MANE Select); coding-DNA position 1546, C replaced by A.
Protein change: p.Pro516Thr; replaces proline 516 with threonine.
Molecular consequence: missense variant.
Genome position (GRCh38, 1-based): chr8:23,008,037, C>A. VCF-style: chr8-23008037-C-A. GRCh37 (hg19) VCF-style: chr8-22865550-C-A.
Other names: c.1612C>A, p.Pro538Thr (NM_001160036.2); c.1567C>A, p.Pro523Thr (NM_001160037.2); c.1546C>A, p.Pro516Thr (NM_001374791.1); short protein forms P516T, P523T, P538T.
Identifiers: ClinVar variation 4738383 (VCV004738383.1).